The following is an entry in ClinVar:

ClinVar aggregate classification (germline): Likely benign. Review status: criteria provided, multiple submitters, no conflicts (2 of 4 stars). 3 submissions from 3 submitters: Likely benign (3). Last evaluated 2025-08-05.

Allele frequency attached by ClinVar (database versions not stated): gnomAD exomes 0.00052; ExAC 0.00061; gnomAD 0.00064 and 0.00066; TOPMed 0.00066; ESP Exome Variant Server 0.00085; 1000 Genomes Project 30x 0.00109; 1000 Genomes Project 0.00140.
gnomAD v4.1: 984 of 1,611,880 alleles (0.061%); highest among the groups gnomAD compares: Non-Finnish European, 0.073%; 1 homozygote.

Submissions (3):

Ambry Genetics
Classification: Likely benign. Last evaluated: 2025-08-05. Review status: criteria provided, single submitter. Criteria: Ambry Variant Classification Scheme 2023. Collection method: clinical testing. Allele origin: germline.

CeGaT Center for Human Genetics Tuebingen
Classification: Likely benign. Last evaluated: 2025-03-01. Review status: criteria provided, single submitter. Criteria: CeGaT Center For Human Genetics Tuebingen Variant Classification Criteria Version 2. Collection method: clinical testing. Allele origin: germline. Affected: yes. Observed: 1 variant allele.
Comment: TIMM44: BP4, BP7

GeneDx
Classification: Likely benign. Last evaluated: 2015-01-06. Review status: criteria provided, single submitter. Criteria: GeneDx Variant Classification (06012015). Collection method: clinical testing. Allele origin: germline. Affected: yes.
Comment: This variant is considered likely benign or benign based on one or more of the following criteria: it is a conservative change, it occurs at a poorly conserved position in the protein, it is predicted to be benign by multiple in silico algorithms, and/or has population frequency not consistent with disease.

NM_006351.4(TIMM44):c.1272G>A (p.Ala424=)

Gene: TIMM44 (translocase of inner mitochondrial membrane 44; minus strand). Cytogenetic location: 19p13.2.
Variant type: single nucleotide variant.
Coding change: c.1272G>A on transcript NM_006351.4 (MANE Select); coding-DNA position 1272, G replaced by A.
Protein change: p.Ala424=; no amino-acid change (alanine 424 retained).
Molecular consequence: synonymous variant.
Genome position (GRCh38, 1-based): chr19:7,927,274, C>T on the plus strand (G>A on the coding strand, the complement: TIMM44 is on the minus strand). VCF-style: chr19-7927274-C-T. GRCh37 (hg19) VCF-style: chr19-7992159-C-T.
Identifiers: ClinVar variation 215250 (VCV000215250.9), dbSNP rs138385134, ClinGen allele CA325347.
Genomic context (GRCh38, chr19:7,927,274, plus strand): 5'-CGAGATGTCCAGGAGCCGCCAGGCCGCGTAGGGGTTGAGCTCGTCCTGGTCTCGGCAGAG[C>T]GCCCACACGTACAGCATCCGCAGCACCTTGTCCTGCAGGGTGGGGTGGGAAGGGCACTGT-3'
Protein context (NP_006342.2, residues 414-434): DKVLRMLYVW[Ala424=]LCRDQDELNP